The following is an entry in ClinVar:

ClinVar aggregate classification (germline): Benign. Review status: criteria provided, multiple submitters, no conflicts (2 of 4 stars). 2 submissions from 2 submitters: Benign (2). Last evaluated 2020-02-18.

Allele frequency attached by ClinVar (database versions not stated): 1000 Genomes Project 0.14677; 1000 Genomes Project 30x 0.15428; gnomAD 0.15845 and 0.16402; TOPMed 0.16520.
gnomAD v4.1: 23,999 of 152,208 alleles (16%); highest among the groups gnomAD compares: African/African-American, 27%; 2,372 homozygotes.

Submissions (2):

GeneDx
Classification: Benign. Last evaluated: 2020-02-18. Review status: criteria provided, single submitter. Criteria: GeneDx Variant Classification Process June 2021. Collection method: clinical testing. Allele origin: germline. Affected: yes.
Comment: This variant is associated with the following publications: (PMID: 25427998)

Breakthrough Genomics
Classification: Benign. Review status: criteria provided, single submitter. Criteria: ACMG Guidelines, 2015. Collection method: not provided. Allele origin: germline. Inheritance: Unknown mechanism. Affected: yes.

NM_001441683.1(FNDC5):c.643+250C>T

Gene: FNDC5 (fibronectin type III domain containing 5; minus strand). Cytogenetic location: 1p35.1.
Variant type: single nucleotide variant.
Coding change: c.643+250C>T on transcript NM_001441683.1 (MANE Select); 250 bases into the intron after coding-DNA position 643, C replaced by T.
Molecular consequence: intron variant.
Genome position (GRCh38, 1-based): chr1:32,867,503, G>A on the plus strand (C>T on the coding strand, the complement: FNDC5 is on the minus strand). VCF-style: chr1-32867503-G-A. GRCh37 (hg19) VCF-style: chr1-33333104-G-A.
Other names: c.274+250C>T (NM_001171941.3); c.499+250C>T (NM_001171940.2, NM_001436107.1).
Identifiers: ClinVar variation 1236585 (VCV001236585.4), dbSNP rs726344, ClinGen allele CA10876192.